The following is an entry in ClinVar:

NM_004370.6(COL12A1):c.4261C>A (p.Pro1421Thr)

Gene: COL12A1 (collagen type XII alpha 1 chain; minus strand). Cytogenetic location: 6q13.
Variant type: single nucleotide variant.
Coding change: c.4261C>A on transcript NM_004370.6 (MANE Select); coding-DNA position 4261, C replaced by A.
Protein change: p.Pro1421Thr; replaces proline 1421 with threonine.
Molecular consequence: missense variant.
Genome position (GRCh38, 1-based): chr6:75,148,384, G>T on the plus strand (C>A on the coding strand, the complement: COL12A1 is on the minus strand). VCF-style: chr6-75148384-G-T. GRCh37 (hg19) VCF-style: chr6-75858100-G-T.
Other names: c.4261C>A, p.Pro1421Thr (NM_001424113.1, NM_001424114.1); c.3988C>A, p.Pro1330Thr (NM_001424115.1); c.769C>A, p.Pro257Thr (NM_001424116.1, NM_080645.3); short protein forms P1330T, P1421T, P257T.
Identifiers: ClinVar variation 2952241 (VCV002952241.3), dbSNP rs2533377272, ClinGen allele CA364745273.

ClinVar aggregate classification (germline): Uncertain significance (1 of 4 stars; one submission).

Conditions:
Ullrich congenital muscular dystrophy 2 (UCMD2). Identifiers: Orphanet 75840, MedGen C4225314, MONDO:0014654, OMIM 616470.
Bethlem myopathy 2 (BTHLM2). Identifiers: Orphanet 536516, Orphanet 610, MedGen C4225313, MONDO:0034022, OMIM 616471.

Submission:

Labcorp Genetics (formerly Invitae), Labcorp
Classification: Uncertain significance for Bethlem myopathy 2; Ullrich congenital muscular dystrophy 2. Last evaluated: 2023-09-24. Review status: criteria provided, single submitter. Criteria: Invitae Variant Classification Sherloc (09022015). Collection method: clinical testing. Allele origin: germline.
Comment: This sequence change replaces proline, which is neutral and non-polar, with threonine, which is neutral and polar, at codon 1421 of the COL12A1 protein (p.Pro1421Thr). This variant is not present in population databases (gnomAD no frequency). This variant has not been reported in the literature in individuals affected with COL12A1-related conditions. Advanced modeling of protein sequence and biophysical properties (such as structural, functional, and spatial information, amino acid conservation, physicochemical variation, residue mobility, and thermodynamic stability) performed at Invitae indicates that this missense variant is not expected to disrupt COL12A1 protein function. In summary, the available evidence is currently insufficient to determine the role of this variant in disease. Therefore, it has been classified as a Variant of Uncertain Significance.